The following is an entry in ClinVar:

NM_002907.4(RECQL):c.256G>A (p.Val86Ile)

Gene: RECQL (RecQ like helicase; minus strand). Cytogenetic location: 12p12.1.
Variant type: single nucleotide variant.
Coding change: c.256G>A on transcript NM_002907.4 (MANE Select); coding-DNA position 256, G replaced by A.
Protein change: p.Val86Ile; replaces valine 86 with isoleucine.
Molecular consequence: missense variant.
Genome position (GRCh38, 1-based): chr12:21,490,337, C>T on the plus strand (G>A on the coding strand, the complement: RECQL is on the minus strand). VCF-style: chr12-21490337-C-T. GRCh37 (hg19) VCF-style: chr12-21643271-C-T.
Other names: c.256G>A, p.Val86Ile (NM_032941.3); short protein forms V86I.
Identifiers: ClinVar variation 1793225 (VCV001793225.6), dbSNP rs996086612, ClinGen allele CA233583204.

ClinVar aggregate classification (germline): Conflicting classifications of pathogenicity. Review status: criteria provided, conflicting classifications (1 of 4 stars). 2 submissions from 2 submitters: Uncertain significance (1); Likely benign (1). Last evaluated 2024-10-04.

Allele frequency attached by ClinVar (database versions not stated): gnomAD exomes below 0.00001; TOPMed below 0.00001.
gnomAD v4.1: 1 of 1,612,326 alleles (0.000062%); highest among the groups gnomAD compares: East Asian, 0.0022%; no homozygotes.

Submissions (2):

Ambry Genetics
Classification: Likely benign. Last evaluated: 2024-10-04. Review status: criteria provided, single submitter. Criteria: Ambry Variant Classification Scheme 2023. Collection method: clinical testing. Allele origin: germline.

Labcorp Genetics (formerly Invitae), Labcorp
Classification: Uncertain significance. Last evaluated: 2024-04-25. Review status: criteria provided, single submitter. Criteria: Invitae Variant Classification Sherloc (09022015). Collection method: clinical testing. Allele origin: germline.
Comment: This sequence change replaces valine, which is neutral and non-polar, with isoleucine, which is neutral and non-polar, at codon 86 of the RECQL protein (p.Val86Ile). This variant is present in population databases (no rsID available, gnomAD 0.006%). This variant has not been reported in the literature in individuals affected with RECQL-related conditions. ClinVar contains an entry for this variant (Variation ID: 1793225). Advanced modeling of protein sequence and biophysical properties (such as structural, functional, and spatial information, amino acid conservation, physicochemical variation, residue mobility, and thermodynamic stability) performed at Invitae indicates that this missense variant is not expected to disrupt RECQL protein function with a negative predictive value of 80%. In summary, the available evidence is currently insufficient to determine the role of this variant in disease. Therefore, it has been classified as a Variant of Uncertain Significance.